The following is an entry in ClinVar:

ClinVar aggregate classification (germline): Uncertain significance (1 of 4 stars; one submission).

Submission:

Labcorp Genetics (formerly Invitae), Labcorp
Classification: Uncertain significance. Last evaluated: 2022-09-10. Review status: criteria provided, single submitter. Criteria: Invitae Variant Classification Sherloc (09022015). Collection method: clinical testing. Allele origin: germline.
Comment: In summary, the available evidence is currently insufficient to determine the role of this variant in disease. Therefore, it has been classified as a Variant of Uncertain Significance. Algorithms developed to predict the effect of missense changes on protein structure and function are either unavailable or do not agree on the potential impact of this missense change (SIFT: "Not Available"; PolyPhen-2: "Benign"; Align-GVGD: "Not Available"). This variant has not been reported in the literature in individuals affected with DDX41-related conditions. This variant is not present in population databases (gnomAD no frequency). This sequence change replaces proline, which is neutral and non-polar, with serine, which is neutral and polar, at codon 17 of the DDX41 protein (p.Pro17Ser).

NM_016222.4(DDX41):c.49C>T (p.Pro17Ser)

Gene: DDX41 (DEAD-box helicase 41; minus strand). Cytogenetic location: 5q35.3.
Variant type: single nucleotide variant.
Coding change: c.49C>T on transcript NM_016222.4 (MANE Select); coding-DNA position 49, C replaced by T.
Protein change: p.Pro17Ser; replaces proline 17 with serine.
Molecular consequence: missense variant. On other transcripts: 5 prime UTR variant (2).
Genome position (GRCh38, 1-based): chr5:177,516,814, G>A on the plus strand (C>T on the coding strand, the complement: DDX41 is on the minus strand). VCF-style: chr5-177516814-G-A. GRCh37 (hg19) VCF-style: chr5-176943815-G-A.
Other names: c.-607C>T (NM_001321732.2); c.-399C>T (NM_001321830.2); short protein forms P17S.
Identifiers: ClinVar variation 1955503 (VCV001955503.5), dbSNP rs1761259570, ClinGen allele CA362377948.